The following is an entry in ClinVar:

ClinVar aggregate classification (germline): Uncertain significance (1 of 4 stars; one submission).

Conditions:
GLUT1 deficiency syndrome 1, autosomal recessive. Identifiers: MedGen C3149117.

Submission:

Labcorp Genetics (formerly Invitae), Labcorp
Classification: Uncertain significance for GLUT1 deficiency syndrome 1, autosomal recessive. Last evaluated: 2022-06-01. Review status: criteria provided, single submitter. Criteria: Invitae Variant Classification Sherloc (09022015). Collection method: clinical testing. Allele origin: germline.
Comment: In summary, the available evidence is currently insufficient to determine the role of this variant in disease. Therefore, it has been classified as a Variant of Uncertain Significance. This variant has been observed in individual(s) with an unspecified neurological abnormality (PMID: 33258288). This variant is not present in population databases (gnomAD no frequency). This variant, c.442_444dup, results in the insertion of 1 amino acid(s) of the SLC2A1 protein (p.Ser148dup), but otherwise preserves the integrity of the reading frame.

Literature cited by the submitters: PubMed 33258288.

NM_006516.4(SLC2A1):c.442_444dup (p.Ser148_Pro149insSer)

Gene: SLC2A1 (solute carrier family 2 member 1; minus strand). Cytogenetic location: 1p34.2.
Variant type: Duplication.
Coding change: c.442_444dup on transcript NM_006516.4 (MANE Select); coding-DNA positions 442 to 444, 3 bases duplicated (TCA; older notation c.442_444dupTCA).
Protein change: p.Ser148_Pro149insSer.
Molecular consequence: inframe insertion.
Genome position (GRCh38, 1-based): chr1:42,930,698-42,930,700, TGA duplicated on the plus strand (TCA on the coding strand, the reverse complement: SLC2A1 is on the minus strand). VCF-style (leftmost placement, unchanged base first): chr1-42930697-G-GTGA. GRCh37 (hg19) VCF-style: chr1-43396368-G-GTGA.
Identifiers: ClinVar variation 2098029 (VCV002098029.4), dbSNP rs2524997596, ClinGen allele CA2580062835.